The following is an entry in ClinVar:

NM_004958.4(MTOR):c.1937A>G (p.Gln646Arg)

Gene: MTOR (mechanistic target of rapamycin kinase; minus strand). Cytogenetic location: 1p36.22.
Variant type: single nucleotide variant.
Coding change: c.1937A>G on transcript NM_004958.4 (MANE Select); coding-DNA position 1937, A replaced by G.
Protein change: p.Gln646Arg; replaces glutamine 646 with arginine.
Molecular consequence: missense variant.
Genome position (GRCh38, 1-based): chr1:11,238,467, T>C on the plus strand (A>G on the coding strand, the complement: MTOR is on the minus strand). VCF-style: chr1-11238467-T-C. GRCh37 (hg19) VCF-style: chr1-11298524-T-C.
Other names: c.1937A>G, p.Gln646Arg (NM_001386500.1); c.689A>G, p.Gln230Arg (NM_001386501.1); short protein forms Q646R, Q230R.
Identifiers: ClinVar variation 4707117 (VCV004707117.1).

ClinVar aggregate classification (germline): Uncertain significance (1 of 4 stars; one submission).

Submission:

Labcorp Genetics (formerly Invitae), Labcorp
Classification: Uncertain significance. Last evaluated: 2025-08-20. Review status: criteria provided, single submitter. Criteria: Invitae Variant Classification Sherloc (09022015). Collection method: clinical testing. Allele origin: germline.
Comment: This sequence change replaces glutamine, which is neutral and polar, with arginine, which is basic and polar, at codon 646 of the MTOR protein (p.Gln646Arg). This variant is not present in population databases (gnomAD no frequency). This variant has not been reported in the literature in individuals affected with MTOR-related conditions. Invitae Evidence Modeling of protein sequence and biophysical properties (such as structural, functional, and spatial information, amino acid conservation, physicochemical variation, residue mobility, and thermodynamic stability) indicates that this missense variant is not expected to disrupt MTOR protein function with a negative predictive value of 95%. In summary, the available evidence is currently insufficient to determine the role of this variant in disease. Therefore, it has been classified as a Variant of Uncertain Significance.